The following is an entry in ClinVar:

NM_001792.5(CDH2):c.2445C>A (p.His815Gln)

Genes: CDH2 (cadherin 2; minus strand), CDH2-AS1 (CDH2 antisense RNA 1; plus strand). Cytogenetic location: 18q12.1.
Variant type: single nucleotide variant.
Coding change: c.2445C>A on transcript NM_001792.5 (MANE Select); coding-DNA position 2445, C replaced by A.
Protein change: p.His815Gln; replaces histidine 815 with glutamine.
Molecular consequence: missense variant.
Genome position (GRCh38, 1-based): chr18:27,963,426, G>T on the plus strand (C>A on the coding strand, the complement: CDH2 is on the minus strand). VCF-style: chr18-27963426-G-T. GRCh37 (hg19) VCF-style: chr18-25543390-G-T.
Other names: c.2352C>A, p.His784Gln (NM_001308176.2); c.2445C>A (NM_001792.3); short protein forms H784Q, H815Q.
Identifiers: ClinVar variation 1900509 (VCV001900509.7), dbSNP rs761127424, ClinGen allele CA297662266.

ClinVar aggregate classification (germline): Uncertain significance. Review status: criteria provided, multiple submitters, no conflicts (2 of 4 stars). 2 submissions from 2 submitters: Uncertain significance (2). Last evaluated 2025-10-27.

Conditions:
Inborn genetic diseases. Identifiers: MedGen C0950123, MeSH D030342.

gnomAD v4.1: 20 of 1,614,056 alleles (0.0012%); highest among the groups gnomAD compares: Non-Finnish European, 0.0017%; no homozygotes.

Submissions (2):

Ambry Genetics
Classification: Uncertain significance for Inborn genetic diseases. Last evaluated: 2025-10-27. Review status: criteria provided, single submitter. Criteria: Ambry Variant Classification Scheme 2023. Collection method: clinical testing. Allele origin: germline.
Comment: The p.H815Q variant (also known as c.2445C>A), located in coding exon 15 of the CDH2 gene, results from a C to A substitution at nucleotide position 2445. The histidine at codon 815 is replaced by glutamine, an amino acid with highly similar properties. This amino acid position is conserved. In addition, the in silico prediction for this alteration is inconclusive. Based on the available evidence, the clinical significance of this variant remains unclear.

Labcorp Genetics (formerly Invitae), Labcorp
Classification: Uncertain significance. Last evaluated: 2025-10-17. Review status: criteria provided, single submitter. Criteria: Invitae Variant Classification Sherloc (09022015). Collection method: clinical testing. Allele origin: germline.
Comment: This sequence change replaces histidine, which is basic and polar, with glutamine, which is neutral and polar, at codon 815 of the CDH2 protein (p.His815Gln). This variant is not present in population databases (gnomAD no frequency). This variant has not been reported in the literature in individuals affected with CDH2-related conditions. ClinVar contains an entry for this variant (Variation ID: 1900509). An algorithm developed to predict the effect of missense changes on protein structure and function (PolyPhen-2) suggests that this variant is likely to be disruptive. In summary, the available evidence is currently insufficient to determine the role of this variant in disease. Therefore, it has been classified as a Variant of Uncertain Significance.